The following is an entry in ClinVar:

NM_017934.7(PHIP):c.2728A>C (p.Ile910Leu)

Gene: PHIP (PHIP subunit of CUL4-Ring ligase complex; minus strand). Cytogenetic location: 6q14.1.
Variant type: single nucleotide variant.
Coding change: c.2728A>C on transcript NM_017934.7 (MANE Select); coding-DNA position 2728, A replaced by C.
Protein change: p.Ile910Leu; replaces isoleucine 910 with leucine.
Molecular consequence: missense variant.
Genome position (GRCh38, 1-based): chr6:78,982,927, T>G on the plus strand (A>C on the coding strand, the complement: PHIP is on the minus strand). VCF-style: chr6-78982927-T-G. GRCh37 (hg19) VCF-style: chr6-79692644-T-G.
Other names: short protein forms I910L.
Identifiers: ClinVar variation 4994404 (VCV004994404.1).
Genomic context (GRCh38, chr6:78,982,927, plus strand): 5'-GTAATGTTAAAAACCAAACCTTTTGTTTTCTTTCTTTGGGCTTCTTTTTCTTTGGTGATA[T>G]TGGTCCATCTTTTTCTTCATTTACTTTTTTCTTTTCCTTTTTAATCTGTTTTTGCTTCTG-3'
Protein context (NP_060404.4, residues 900-920): KKVNEEKDGP[Ile910Leu]SPKKKKPKER

ClinVar aggregate classification (germline): Uncertain significance (1 of 4 stars; one submission).

Conditions:
PHIP-related disorder. Also called: PHIP-related disorders; PHIP-related condition.

Submission:

PreventionGenetics, part of Exact Sciences
Classification: Uncertain significance for PHIP-related condition. Last evaluated: 2025-11-10. Review status: criteria provided, single submitter. Criteria: ACMG Guidelines, 2015. Collection method: clinical testing. Allele origin: germline.
Comment: The PHIP c.2728A>C variant is predicted to result in the amino acid substitution p.Ile910Leu. To our knowledge, this variant has not been reported in the literature or in a large population database (gnomAD), indicating this variant is rare. At this time, the clinical significance of this variant is uncertain due to the absence of conclusive functional and genetic evidence.